The following is an entry in ClinVar:

NM_005186.4(CAPN1):c.1597C>T (p.Pro533Ser)

Gene: CAPN1 (calpain 1; plus strand). Cytogenetic location: 11q13.1.
Variant type: single nucleotide variant.
Coding change: c.1597C>T on transcript NM_005186.4 (MANE Select); coding-DNA position 1597, C replaced by T.
Protein change: p.Pro533Ser; replaces proline 533 with serine.
Molecular consequence: missense variant. On other transcripts: non-coding transcript variant (1).
Genome position (GRCh38, 1-based): chr11:65,206,811, C>T. VCF-style: chr11-65206811-C-T. GRCh37 (hg19) VCF-style: chr11-64974282-C-T.
Other names: c.1597C>T, p.Pro533Ser (NM_001198868.2, NM_001198869.2); short protein forms P533S.
Identifiers: ClinVar variation 735663 (VCV000735663.53), dbSNP rs150244086, ClinGen allele CA6093470.
Genomic context (GRCh38, chr11:65,206,811, plus strand): 5'-CTGGCTCCTTTCCTCCCCACTCTCTGCAGGGAGCTGGATGACCAGATCCAGGCCAATCTC[C>T]CCGATGAGGTGCGTGGTCCCACCCCACCAGGCCCCGTCCTCCTCTCTTCCTCACCCCTGG-3'
Protein context (NP_005177.2, residues 523-543): ELDDQIQANL[Pro533Ser]DEQVLSEEEI

ClinVar aggregate classification (germline): Likely benign. Review status: criteria provided, multiple submitters, no conflicts (2 of 4 stars). 5 submissions from 5 submitters: Likely benign (5). Last evaluated 2026-03-03.

Conditions:
CAPN1-related disorder. Also called: CAPN1-related condition.

Allele frequency attached by ClinVar (database versions not stated): 1000 Genomes Project 30x 0.00031; 1000 Genomes Project 0.00040; gnomAD 0.00099 and 0.00107; ESP Exome Variant Server 0.00114; TOPMed 0.00134; gnomAD exomes 0.00153 and 0.00204; ExAC 0.00200.
gnomAD v4.1: 3,119 of 1,612,332 alleles (0.19%); highest among the groups gnomAD compares: Middle Eastern, 0.33%; 4 homozygotes.

Submissions (5):

Women's Health and Genetics/Laboratory Corporation of America, LabCorp
Classification: Likely benign. Last evaluated: 2026-03-03. Review status: criteria provided, single submitter. Criteria: LabCorp Variant Classification Summary - May 2015. Collection method: clinical testing. Allele origin: germline.
Comment: Variant summary: CAPN1 c.1597C>T (p.Pro533Ser) results in a non-conservative amino acid change in the encoded protein sequence. Algorithms developed to predict the effect of missense changes on protein structure and function are either unavailable or do not agree on the potential impact of this missense change. The variant allele was found at a frequency of 0.0015 in 245146 control chromosomes, predominantly at a frequency of 0.0025 within the Non-Finnish European subpopulation in the gnomAD database, including 1 homozygote, suggesting the variant is benign. The observed variant frequency within Non-Finnish European control individuals in the gnomAD database exceeds the estimated maximal expected allele frequency for disease-causing variants in CAPN1. To our knowledge, no occurrence of c.1597C>T in individuals affected with CAPN1-related conditions and no experimental evidence demonstrating its impact on protein function have been reported. ClinVar contains an entry for this variant (Variation ID: 735663). Based on the evidence outlined above, the variant was classified as likely benign.

CeGaT Center for Human Genetics Tuebingen
Classification: Likely benign. Last evaluated: 2026-02-01. Review status: criteria provided, single submitter. Criteria: CeGaT Center For Human Genetics Tuebingen Variant Classification Criteria Version 2. Collection method: clinical testing. Allele origin: germline. Affected: yes. Observed: 7 variant alleles.
Comment: CAPN1: BP4

Labcorp Genetics (formerly Invitae), Labcorp
Classification: Likely benign. Last evaluated: 2026-01-13. Review status: criteria provided, single submitter. Criteria: Invitae Variant Classification Sherloc (09022015). Collection method: clinical testing. Allele origin: germline.

PreventionGenetics, part of Exact Sciences
Classification: Likely benign for CAPN1-related condition. Last evaluated: 2025-01-31. Review status: criteria provided, single submitter. Criteria: ACMG Guidelines, 2015. Collection method: clinical testing. Allele origin: germline.
Comment: This variant is classified as likely benign based on ACMG/AMP sequence variant interpretation guidelines (Richards et al. 2015 PMID: 25741868, with internal and published modifications).

Blueprint Genetics
Classification: Likely benign. Last evaluated: 2024-11-14. Review status: criteria provided, single submitter. Criteria: ACMG Guidelines, 2015. Collection method: clinical testing. Allele origin: germline.